The following is an entry in ClinVar:

ClinVar aggregate classification (germline): Uncertain significance (1 of 4 stars; one submission).

Allele frequency attached by ClinVar (database versions not stated): TOPMed below 0.00001.

Submission:

Labcorp Genetics (formerly Invitae), Labcorp
Classification: Uncertain significance. Last evaluated: 2022-03-01. Review status: criteria provided, single submitter. Criteria: Invitae Variant Classification Sherloc (09022015). Collection method: clinical testing. Allele origin: germline.
Comment: In summary, the available evidence is currently insufficient to determine the role of this variant in disease. Therefore, it has been classified as a Variant of Uncertain Significance. Algorithms developed to predict the effect of missense changes on protein structure and function are either unavailable or do not agree on the potential impact of this missense change (SIFT: "Deleterious"; PolyPhen-2: "Possibly Damaging"; Align-GVGD: "Class C0"). This variant has not been reported in the literature in individuals affected with RIMS1-related conditions. This variant is not present in population databases (gnomAD no frequency). This sequence change replaces glutamic acid, which is acidic and polar, with glycine, which is neutral and non-polar, at codon 892 of the RIMS1 protein (p.Glu892Gly).

NM_014989.7(RIMS1):c.2675A>G (p.Glu892Gly)

Gene: RIMS1 (regulating synaptic membrane exocytosis 1; plus strand). Cytogenetic location: 6q13.
Variant type: single nucleotide variant.
Coding change: c.2675A>G on transcript NM_014989.7 (MANE Select); coding-DNA position 2675, A replaced by G.
Protein change: p.Glu892Gly; replaces glutamic acid 892 with glycine.
Molecular consequence: missense variant.
Genome position (GRCh38, 1-based): chr6:72,251,345, A>G. VCF-style: chr6-72251345-A-G. GRCh37 (hg19) VCF-style: chr6-72961048-A-G.
Other names: c.1097A>G, p.Glu366Gly (NM_001168407.2, NM_001168408.2, NM_001350414.2 and 37 more transcripts); c.854A>G, p.Glu285Gly (NM_001168409.2, NM_001350469.2, NM_001350461.2 and 6 more transcripts); c.1052A>G, p.Glu351Gly (NM_001168410.2, NM_001350470.2, NM_001350472.2 and 2 more transcripts); c.1028A>G, p.Glu343Gly (NM_001350430.2, NM_001350437.2, NM_001350450.2 and 6 more transcripts); short protein forms E343G, E366G, E285G, E351G, E892G.
Identifiers: ClinVar variation 2105091 (VCV002105091.4), dbSNP rs201221499, ClinGen allele CA140882330.